The following is an entry in ClinVar:

ClinVar aggregate classification (germline): Pathogenic/Likely pathogenic. Review status: criteria provided, multiple submitters, no conflicts (2 of 4 stars). 2 submissions from 2 submitters: Pathogenic (1); Likely pathogenic (1). Last evaluated 2025-01-22.

Conditions:
Usher syndrome. Also called: Usher Syndromes; Usher's syndrome. Identifiers: Orphanet 886, MedGen CN469326, MeSH D052245, MONDO:0019501. Disease mechanism: loss of function.
USH2A-related disorder. Also called: USH2A-related disorders; USH2A-related condition. Identifiers: MedGen CN239332.

Submissions (2):

Myriad Genetics, Inc.
Classification: Pathogenic for USH2A-related disorder. Last evaluated: 2025-01-22. Review status: criteria provided, single submitter. Criteria: Myriad Autosomal Dominant, Autosomal Recessive and X-Linked Classification Criteria (2023). Collection method: clinical testing. Allele origin: unknown.
Comment: NM_206933.2(USH2A):c.3541_3542delAAinsGTCC(K1181Vfs*57) is expected to be pathogenic in the context of USH2A-related disorders. This variant is predicted to lead to an abnormal or absent protein product due to the creation of a premature termination codon in USH2A, a gene where loss-of-function variants are known to be pathogenic. Please note: this variant was assessed in the context of healthy population screening.

Women's Health and Genetics/Laboratory Corporation of America, LabCorp
Classification: Likely pathogenic for Usher syndrome. Last evaluated: 2023-04-04. Review status: criteria provided, single submitter. Criteria: LabCorp Variant Classification Summary - May 2015. Collection method: clinical testing. Allele origin: germline.
Comment: Variant summary: USH2A c.3541_3542delinsGTCC (p.Lys1181ValfsX57) results in a premature termination codon, predicted to cause a truncation of the encoded protein or absence of the protein due to nonsense mediated decay, which are commonly known mechanisms for disease. Truncations downstream of this position have been classified as pathogenic by our laboratory. The variant was absent in 250986 control chromosomes (gnomAD). To our knowledge, no occurrence of c.3541_3542delinsGTCC in individuals affected with Usher Syndrome and no experimental evidence demonstrating its impact on protein function have been reported. No clinical diagnostic laboratories have submitted clinical-significance assessments for this variant to ClinVar after 2014. Based on the evidence outlined above, the variant was classified as likely pathogenic.

NM_206933.4(USH2A):c.3541_3542delinsGTCC (p.Lys1181fs)

Genes: USH2A (usherin; minus strand), USH2A-AS1 (USH2A antisense RNA 1; plus strand). Cytogenetic location: 1q41.
Variant type: Indel.
Coding change: c.3541_3542delinsGTCC on transcript NM_206933.4 (MANE Select); coding-DNA positions 3541 to 3542, AA replaced by GTCC.
Protein change: p.Lys1181fs; shifts the reading frame from lysine 1181.
Molecular consequence: frameshift variant.
Genome position (GRCh38, 1-based): chr1:216,199,896-216,199,897, TT replaced by GGAC on the plus strand (AA replaced by GTCC on the coding strand, the reverse complement: USH2A is on the minus strand). VCF-style: chr1-216199896-TT-GGAC. GRCh37 (hg19) VCF-style: chr1-216373238-TT-GGAC.
Other names: c.3541_3542delinsGTCC, p.Lys1181fs (NM_007123.6); c.3541_3542delinsGTCC (NM_206933.2); short protein forms K1181fs.
Identifiers: ClinVar variation 2503872 (VCV002503872.2), dbSNP rs2528046473, ClinGen allele CA2580611232.